The following is an entry in ClinVar:

NM_001166108.2(PALLD):c.2419G>C (p.Glu807Gln)

Genes: CBR4 (carbonyl reductase 4; minus strand), PALLD (palladin, cytoskeletal associated protein; plus strand). Cytogenetic location: 4q32.3.
Variant type: single nucleotide variant.
Coding change: c.2419G>C on transcript NM_001166108.2 (MANE Select); coding-DNA position 2419, G replaced by C.
Protein change: p.Glu807Gln; replaces glutamic acid 807 with glutamine.
Molecular consequence: missense variant.
Genome position (GRCh38, 1-based): chr4:168,898,661, G>C. VCF-style: chr4-168898661-G-C. GRCh37 (hg19) VCF-style: chr4-169819812-G-C.
Other names: c.1222G>C, p.Glu408Gln (NM_001166109.2); c.907G>C, p.Glu303Gln (NM_001166110.2); c.247G>C, p.Glu83Gln (NM_001367567.1, NM_001367569.1); c.298G>C, p.Glu100Gln (NM_001367568.1, NM_001367570.1); c.2368G>C, p.Glu790Gln (NM_016081.4); short protein forms E100Q, E790Q, E807Q, E408Q, E83Q, E303Q.
Identifiers: ClinVar variation 5026242 (VCV005026242.1).

ClinVar aggregate classification (germline): Uncertain significance (1 of 4 stars; one submission).

Submission:

Ambry Genetics
Classification: Uncertain significance. Last evaluated: 2026-08-16. Review status: criteria provided, single submitter. Criteria: Ambry Variant Classification Scheme 2023. Collection method: clinical testing. Allele origin: germline.
Comment: The p.E303Q variant (also known as c.907G>C), located in coding exon 4 of the PALLD gene, results from a G to C substitution at nucleotide position 907. The glutamic acid at codon 303 is replaced by glutamine, an amino acid with highly similar properties. This amino acid position is conserved. In addition, the in silico prediction for this alteration is inconclusive. Based on the available evidence, the clinical significance of this variant remains unclear.